The following is an entry in ClinVar:

ClinVar aggregate classification (germline): Uncertain significance (1 of 4 stars; one submission).

Conditions:
Paroxysmal nonkinesigenic dyskinesia. Also called: Paroxysmal non-kinesigenic dyskinesia. Identifiers: Orphanet 98810, MedGen C1869117, MONDO:0700088.

Allele frequency attached by ClinVar (database versions not stated): ExAC 0.00004.
gnomAD v4.1: 6 of 1,613,650 alleles (0.00037%); highest among the groups gnomAD compares: Admixed American, 0.01%; no homozygotes.

Submission:

Labcorp Genetics (formerly Invitae), Labcorp
Classification: Uncertain significance for Paroxysmal nonkinesigenic dyskinesia. Last evaluated: 2022-10-22. Review status: criteria provided, single submitter. Criteria: Invitae Variant Classification Sherloc (09022015). Collection method: clinical testing. Allele origin: germline.
Comment: This sequence change replaces alanine, which is neutral and non-polar, with threonine, which is neutral and polar, at codon 223 of the PNKD protein (p.Ala223Thr). This variant is present in population databases (rs746776058, gnomAD 0.01%). This variant has not been reported in the literature in individuals affected with PNKD-related conditions. Advanced modeling of protein sequence and biophysical properties (such as structural, functional, and spatial information, amino acid conservation, physicochemical variation, residue mobility, and thermodynamic stability) performed at Invitae indicates that this missense variant is not expected to disrupt PNKD protein function. In summary, the available evidence is currently insufficient to determine the role of this variant in disease. Therefore, it has been classified as a Variant of Uncertain Significance.

NM_015488.5(PNKD):c.667G>A (p.Ala223Thr)

Genes: CATIP-AS2 (CATIP antisense RNA 2; minus strand), PNKD (PNKD metallo-beta-lactamase domain containing; plus strand). Cytogenetic location: 2q35.
Variant type: single nucleotide variant.
Coding change: c.667G>A on transcript NM_015488.5 (MANE Select); coding-DNA position 667, G replaced by A.
Protein change: p.Ala223Thr; replaces alanine 223 with threonine.
Molecular consequence: missense variant.
Genome position (GRCh38, 1-based): chr2:218,342,030, G>A. VCF-style: chr2-218342030-G-A. GRCh37 (hg19) VCF-style: chr2-219206753-G-A.
Other names: c.595G>A, p.Ala199Thr (NM_022572.5); short protein forms A199T, A223T.
Identifiers: ClinVar variation 1998911 (VCV001998911.4), dbSNP rs746776058, ClinGen allele CA2104060.